The following is an entry in ClinVar:

NM_000237.3(LPL):c.-3G>T

Gene: LPL (lipoprotein lipase; plus strand). Cytogenetic location: 8p21.3.
Variant type: single nucleotide variant.
Coding change: c.-3G>T on transcript NM_000237.3 (MANE Select); 3 bases upstream of the start codon, G replaced by T.
Molecular consequence: 5 prime UTR variant.
Genome position (GRCh38, 1-based): chr8:19,939,438, G>T. VCF-style: chr8-19939438-G-T. GRCh37 (hg19) VCF-style: chr8-19796949-G-T.
Identifiers: ClinVar variation 1712082 (VCV001712082.2), dbSNP rs763635553, ClinGen allele CA580154257.

ClinVar aggregate classification (germline): Uncertain significance (1 of 4 stars; one submission).

gnomAD v4.1: 4 of 1,607,608 alleles (0.00025%); highest among the groups gnomAD compares: Non-Finnish European, 0.00034%; no homozygotes.

Submission:

GeneDx
Classification: Uncertain significance. Last evaluated: 2022-04-20. Review status: criteria provided, single submitter. Criteria: GeneDx Variant Classification Process June 2021. Collection method: clinical testing. Allele origin: germline. Affected: yes.
Comment: Not observed at significant frequency in large population cohorts (gnomAD); Has not been previously published as pathogenic or benign to our knowledge